The following is an entry in ClinVar:

NM_013432.5(TONSL):c.2884G>A (p.Glu962Lys)

Gene: TONSL (tonsoku like, DNA repair protein; minus strand). Cytogenetic location: 8q24.3.
Variant type: single nucleotide variant.
Coding change: c.2884G>A on transcript NM_013432.5 (MANE Select); coding-DNA position 2884, G replaced by A.
Protein change: p.Glu962Lys; replaces glutamic acid 962 with lysine.
Molecular consequence: missense variant.
Genome position (GRCh38, 1-based): chr8:144,435,139, C>T on the plus strand (G>A on the coding strand, the complement: TONSL is on the minus strand). VCF-style: chr8-144435139-C-T. GRCh37 (hg19) VCF-style: chr8-145660522-C-T.
Other names: short protein forms E962K.
Identifiers: ClinVar variation 1514616 (VCV001514616.4), dbSNP rs746481264, ClinGen allele CA4942680.
Genomic context (GRCh38, chr8:144,435,139, plus strand): 5'-TCCGTAGGGTGAGCCTGGGCAGCAGCCCGCAGGTCTGGTAGTAGCGCTGGGCCGCCTGCT[C>T]GGCCAGCCAGGCCACAGAGTGGGTGTCACTGCTGCAGGGACAGAGGCGCTGCTGCTGCTG-3'
Protein context (NP_038460.4, residues 952-972): SDTHSVAWLA[Glu962Lys]QAAQRYYQTC

ClinVar aggregate classification (germline): Uncertain significance (1 of 4 stars; one submission).

Allele frequency attached by ClinVar (database versions not stated): TOPMed below 0.00001; gnomAD 0.00001; gnomAD exomes 0.00001 and 0.00002; ExAC 0.00005.
gnomAD v4.1: 24 of 1,570,452 alleles (0.0015%); highest among the groups gnomAD compares: South Asian, 0.0023%; no homozygotes.

Submission:

Labcorp Genetics (formerly Invitae), Labcorp
Classification: Uncertain significance. Last evaluated: 2022-02-09. Review status: criteria provided, single submitter. Criteria: Invitae Variant Classification Sherloc (09022015). Collection method: clinical testing. Allele origin: germline.
Comment: This variant has not been reported in the literature in individuals affected with TONSL-related conditions. This variant is present in population databases (rs746481264, gnomAD 0.004%). This sequence change replaces glutamic acid, which is acidic and polar, with lysine, which is basic and polar, at codon 962 of the TONSL protein (p.Glu962Lys). Algorithms developed to predict the effect of missense changes on protein structure and function are either unavailable or do not agree on the potential impact of this missense change (SIFT: "Deleterious"; PolyPhen-2: "Benign"; Align-GVGD: "Class C0"). In summary, the available evidence is currently insufficient to determine the role of this variant in disease. Therefore, it has been classified as a Variant of Uncertain Significance.